The following is an entry in ClinVar:

NM_001348484.3(RIMS2):c.2995+2T>C

Gene: RIMS2 (regulating synaptic membrane exocytosis 2; plus strand). Cytogenetic location: 8q22.3.
Variant type: single nucleotide variant.
Coding change: c.2995+2T>C on transcript NM_001348484.3 (MANE Select); the canonical splice donor site of the intron after coding-DNA position 2995, T replaced by C.
Molecular consequence: splice donor variant.
Genome position (GRCh38, 1-based): chr8:103,961,135, T>C. VCF-style: chr8-103961135-T-C. GRCh37 (hg19) VCF-style: chr8-104973363-T-C.
Other names: c.2995+2T>C (NM_001348484.2); c.2854+2T>C (NM_001395654.1, NM_001348488.2, NM_001395653.1); c.2983+2T>C (NM_001348491.2); c.2782+2T>C (NM_001395652.1); c.2734+2T>C (NM_001348487.2, NM_001348492.2, NM_001348490.2 and 1 more transcripts); c.2875+2T>C (NM_001348486.2); c.2764+2T>C (NM_001348495.2); c.2770+2T>C (NM_001100117.3); and 5 more.
Identifiers: ClinVar variation 2160448 (VCV002160448.2), dbSNP rs201192656, ClinGen allele CA4837197.

ClinVar aggregate classification (germline): Likely pathogenic. Review status: criteria provided, multiple submitters, no conflicts (2 of 4 stars). 2 submissions from 2 submitters: Likely pathogenic (2). Last evaluated 2023-02-10.

Conditions:
Cone-rod synaptic disorder, congenital nonprogressive. Also called: NIGHT BLINDNESS, CONGENITAL STATIONARY, INCOMPLETE, AUTOSOMAL RECESSIVE. Identifiers: Orphanet 215, MedGen C4041558, MONDO:0012490, OMIM 610427.

Allele frequency attached by ClinVar (database versions not stated): ExAC 0.00002; gnomAD 0.00003; TOPMed 0.00003; 1000 Genomes Project 30x 0.00016; 1000 Genomes Project 0.00020.
gnomAD v4.1: 42 of 1,306,902 alleles (0.0032%); highest among the groups gnomAD compares: Non-Finnish European, 0.0047%; no homozygotes.

Submissions (2):

Department of Pathology and Laboratory Medicine, Sinai Health System
Classification: Likely pathogenic for cone-rod synaptic disorder, congenital nonprogressive. Last evaluated: 2023-02-10. Review status: criteria provided, single submitter. Criteria: ACMG Guidelines, 2015. Collection method: research. Allele origin: germline.

Labcorp Genetics (formerly Invitae), Labcorp
Classification: Likely pathogenic. Last evaluated: 2022-07-05. Review status: criteria provided, single submitter. Criteria: Invitae Variant Classification Sherloc (09022015). Collection method: clinical testing. Allele origin: germline.
Comment: This sequence change affects a donor splice site in intron 15 of the RIMS2 gene. It is expected to disrupt RNA splicing. Variants that disrupt the donor or acceptor splice site typically lead to a loss of protein function (PMID: 16199547), and loss-of-function variants in RIMS2 are known to be pathogenic (PMID: 32470375). This variant is present in population databases (rs201192656, gnomAD 0.003%). This variant has not been reported in the literature in individuals affected with RIMS2-related conditions. Algorithms developed to predict the effect of sequence changes on RNA splicing suggest that this variant may disrupt the consensus splice site. In summary, the currently available evidence indicates that the variant is pathogenic, but additional data are needed to prove that conclusively. Therefore, this variant has been classified as Likely Pathogenic.

Literature cited by the submitters: PubMed 16199547 (cited by Labcorp Genetics (formerly Invitae), Labcorp); PubMed 32470375 (cited by Labcorp Genetics (formerly Invitae), Labcorp).